The following is an entry in ClinVar:

NM_201384.3(PLEC):c.8182A>G (p.Ile2728Val)

Gene: PLEC (plectin; minus strand). Cytogenetic location: 8q24.3.
Variant type: single nucleotide variant.
Coding change: c.8182A>G on transcript NM_201384.3 (MANE Select); coding-DNA position 8182, A replaced by G.
Protein change: p.Ile2728Val; replaces isoleucine 2728 with valine.
Molecular consequence: missense variant.
Genome position (GRCh38, 1-based): chr8:143,921,639, T>C on the plus strand (A>G on the coding strand, the complement: PLEC is on the minus strand). VCF-style: chr8-143921639-T-C. GRCh37 (hg19) VCF-style: chr8-144995807-T-C.
Other names: p.Ile2755Val; c.8263A>G, p.Ile2755Val (NM_000445.5); c.8140A>G, p.Ile2714Val (NM_201378.4); c.8116A>G, p.Ile2706Val (NM_201379.3); c.8593A>G, p.Ile2865Val (NM_201380.4); c.8086A>G, p.Ile2696Val (NM_201381.3); c.8182A>G, p.Ile2728Val (NM_201382.4); c.8194A>G, p.Ile2732Val (NM_201383.3); short protein forms I2696V, I2706V, I2714V, I2728V, I2732V, I2755V, I2865V.
Identifiers: ClinVar variation 196816 (VCV000196816.54), dbSNP rs200061415, ClinGen allele CA244244.

ClinVar aggregate classification (germline): Benign/Likely benign. Review status: criteria provided, multiple submitters, no conflicts (2 of 4 stars). 9 submissions from 9 submitters: Benign (5); Likely benign (3). 1 of the submissions does not count toward it. Last evaluated 2026-01-27.

Conditions:
PLEC-related disorder. Also called: PLEC-related disorders; PLEC-related condition.
Epidermolysis bullosa simplex, Ogna type (EBS5A). Also called: Pidermolysis bullosa simplex 5A, Ogna type; EPIDERMOLYSIS BULLOSA SIMPLEX 5A, OGNA TYPE. Identifiers: Orphanet 79401, MedGen C0432317, MONDO:0007555, OMIM 131950.
Epidermolysis bullosa simplex 5C, with pyloric atresia (EBS5C). Also called: PLEC-Related Epidermolysis Bullosa with Pyloric Atresia; Epidermolysis bullosa simplex with pyloric atresia; PLEC1-Related Epidermolysis Bullosa with Pyloric Atresia. Identifiers: Orphanet 158684, MedGen C2677349, MONDO:0012807, OMIM 612138.
Autosomal recessive limb-girdle muscular dystrophy type 2Q (LGMDR17). Also called: MUSCULAR DYSTROPHY, LIMB-GIRDLE, AUTOSOMAL RECESSIVE 17. Identifiers: Orphanet 254361, MedGen C3150989, MONDO:0013390, OMIM 613723.
Epidermolysis bullosa simplex with nail dystrophy (EBS5D). Identifiers: MedGen C4225309, MONDO:0014661, OMIM 616487.
Epidermolysis bullosa simplex 5B, with muscular dystrophy (EBS5B). Also called: EPIDERMOLYSIS BULLOSA SIMPLEX AND LIMB-GIRDLE MUSCULAR DYSTROPHY; Epidermolysis bullosa simplex with muscular dystrophy. Identifiers: Orphanet 257, MedGen C2931072, MONDO:0009181, OMIM 226670.

Allele frequency attached by ClinVar (database versions not stated): ESP Exome Variant Server 0.00056; gnomAD exomes 0.00060 and 0.00127; gnomAD 0.00073 and 0.00076; TOPMed 0.00077; ExAC 0.00094.
gnomAD v4.1: 1,075 of 1,612,856 alleles (0.067%); highest among the groups gnomAD compares: Non-Finnish European, 0.013%; 13 homozygotes.

Submissions (9):

Labcorp Genetics (formerly Invitae), Labcorp
Classification: Benign for Autosomal recessive limb-girdle muscular dystrophy type 2Q; Epidermolysis bullosa simplex, Ogna type; Epidermolysis bullosa simplex with nail dystrophy; Epidermolysis bullosa simplex 5C, with pyloric atresia; Epidermolysis bullosa simplex 5B, with muscular dystrophy. Last evaluated: 2026-01-27. Review status: criteria provided, single submitter. Criteria: Invitae Variant Classification Sherloc (09022015). Collection method: clinical testing. Allele origin: germline.

Mayo Clinic Laboratories, Mayo Clinic
Classification: Benign. Last evaluated: 2025-06-17. Review status: criteria provided, single submitter. Criteria: ACMG Guidelines, 2015. Collection method: clinical testing. Allele origin: germline. Observed: 1 variant allele.
Comment: BS1, BS2, BP4

Blueprint Genetics
Classification: Likely benign. Last evaluated: 2024-11-27. Review status: criteria provided, single submitter. Criteria: ACMG Guidelines, 2015. Collection method: clinical testing. Allele origin: germline.

GeneDx
Classification: Likely benign. Last evaluated: 2023-03-29. Review status: criteria provided, single submitter. Criteria: GeneDx Variant Classification Process June 2021. Collection method: clinical testing. Allele origin: germline. Affected: yes.
Comment: See Variant Classification Assertion Criteria.

CeGaT Center for Human Genetics Tuebingen
Classification: Benign. Last evaluated: 2023-03-01. Review status: criteria provided, single submitter. Criteria: CeGaT Center For Human Genetics Tuebingen Variant Classification Criteria Version 2. Collection method: clinical testing. Allele origin: germline. Affected: yes. Observed: 2 variant alleles.
Comment: PLEC: BP4, BS1, BS2

Athena Diagnostics
Classification: Benign. Last evaluated: 2020-03-04. Review status: criteria provided, single submitter. Criteria: Athena Diagnostics Criteria. Collection method: clinical testing. Allele origin: unknown.

Eurofins Ntd Llc (ga)
Classification: Benign. Last evaluated: 2018-01-10. Review status: criteria provided, single submitter. Criteria: EGL Classification Definitions 2015. Collection method: clinical testing. Allele origin: germline. Observed: 8 variant alleles, 8 heterozygotes.

Breakthrough Genomics
Classification: Likely benign. Review status: criteria provided, single submitter. Criteria: ACMG Guidelines, 2015. Collection method: not provided. Allele origin: germline. Inheritance: Autosomal recessive inheritance. Affected: yes.

PreventionGenetics, part of Exact Sciences
Classification: Likely benign for PLEC-related condition. Last evaluated: 2023-12-29. Review status: no assertion criteria provided. Collection method: clinical testing. Allele origin: germline. Not counted in ClinVar's aggregate classification.
Comment: This variant is classified as likely benign based on ACMG/AMP sequence variant interpretation guidelines (Richards et al. 2015 PMID: 25741868, with internal and published modifications).